The following is an entry in ClinVar:

NM_004304.5(ALK):c.4633G>T (p.Val1545Phe)

Gene: ALK (ALK receptor tyrosine kinase; minus strand). Cytogenetic location: 2p23.2.
Variant type: single nucleotide variant.
Coding change: c.4633G>T on transcript NM_004304.5 (MANE Select); coding-DNA position 4633, G replaced by T.
Protein change: p.Val1545Phe; replaces valine 1545 with phenylalanine.
Molecular consequence: missense variant.
Genome position (GRCh38, 1-based): chr2:29,193,454, C>A on the plus strand (G>T on the coding strand, the complement: ALK is on the minus strand). VCF-style: chr2-29193454-C-A. GRCh37 (hg19) VCF-style: chr2-29416320-C-A.
Other names: c.1429G>T, p.Val477Phe (NM_001353765.2); short protein forms V477F, V1545F.
Identifiers: ClinVar variation 1519673 (VCV001519673.8), dbSNP rs1296992304, ClinGen allele CA346460556.

ClinVar aggregate classification (germline): Uncertain significance (1 of 4 stars; one submission).

Conditions:
Neuroblastoma, susceptibility to, 3. Also called: ALK-Related Neuroblastic Tumor Susceptibility. Identifiers: Orphanet 635, MedGen C2751681, MONDO:0013083, OMIM 613014.

Submission:

Labcorp Genetics (formerly Invitae), Labcorp
Classification: Uncertain significance for Neuroblastoma, susceptibility to, 3. Last evaluated: 2021-03-26. Review status: criteria provided, single submitter. Criteria: Invitae Variant Classification Sherloc (09022015). Collection method: clinical testing. Allele origin: germline.
Comment: This sequence change replaces valine with phenylalanine at codon 1545 of the ALK protein (p.Val1545Phe). The valine residue is moderately conserved and there is a small physicochemical difference between valine and phenylalanine. In summary, the available evidence is currently insufficient to determine the role of this variant in disease. Therefore, it has been classified as a Variant of Uncertain Significance. Algorithms developed to predict the effect of missense changes on protein structure and function (SIFT, PolyPhen-2, Align-GVGD) all suggest that this variant is likely to be tolerated, but these predictions have not been confirmed by published functional studies and their clinical significance is uncertain. This variant has not been reported in the literature in individuals with ALK-related conditions. This variant is not present in population databases (ExAC no frequency).